The following is an entry in ClinVar:

ClinVar aggregate classification (germline): Likely benign. Review status: reviewed by expert panel (3 of 4 stars). 2 submissions from 2 submitters: Likely benign (1). 1 of the submissions does not count toward it. Last evaluated 2024-06-24.

Conditions:
Hereditary thrombocytopenia and hematologic cancer predisposition syndrome. Identifiers: Orphanet 71290, MedGen CN281654, MONDO:0011071.
Hereditary thrombocytopenia and hematological cancer predisposition syndrome associated with RUNX1. Also called: Familial Platelet Disorder with Propensity to Acute Myelogenous Leukemia; Familial thrombocytopenia with propensity to acute myelogenous leukemia; PLATELET DISORDER, ASPIRIN-LIKE; RUNX1 Familial Platelet Disorder with Associated Myeloid Malignancies. Identifiers: Orphanet 71290, MedGen C1832388, MeSH C563324, MONDO:0100083, OMIM 601399.

Submissions (2):

ClinGen Myeloid Malignancy Variant Curation Expert Panel
Classification: Likely benign for Hereditary thrombocytopenia and hematologic cancer predisposition syndrome. Last evaluated: 2024-06-24. Review status: reviewed by expert panel. Criteria: ClinGen MyeloMalig ACMG Specifications v2. Collection method: curation. Allele origin: germline. Inheritance: Autosomal dominant inheritance.
Comment: NM_001754.5(RUNX1):c.759G>A (p.Leu253=) is a synonymous variant that is not predicted to impact splicing. This variant is a synonymous variant; therefore, REVEL score cannot be applied, and SpliceAI is ≤ 0.20 (Donor Loss 0.13 and Donor Gain 0.07) (BP4). Evolutionary conservation prediction algorithms predict the site as not being conserved (phyloP 1.97177 is < 2.0) (BP7). This variant is completely absent from all population databases with at least 20x coverage for RUNX1 (PM2_supporting). In summary, this variant meets criteria to be classified as likely benign. ACMG/AMP criteria applied, as specified by the Myeloid Malignancy Variant Curation Expert Panel for RUNX1: BP4, BP7, PM2_supporting.

Labcorp Genetics (formerly Invitae), Labcorp
Classification: Likely benign for Hereditary thrombocytopenia and hematological cancer predisposition syndrome associated with RUNX1. Last evaluated: 2023-03-08. Review status: criteria provided, single submitter. Criteria: Invitae Variant Classification Sherloc (09022015). Collection method: clinical testing. Allele origin: germline. Not counted in ClinVar's aggregate classification.

NM_001754.5(RUNX1):c.759G>A (p.Leu253=)

Gene: RUNX1 (RUNX family transcription factor 1; minus strand). Cytogenetic location: 21q22.12.
Variant type: single nucleotide variant.
Coding change: c.759G>A on transcript NM_001754.5 (MANE Select); coding-DNA position 759, G replaced by A.
Protein change: p.Leu253=; no amino-acid change (leucine 253 retained).
Molecular consequence: synonymous variant.
Genome position (GRCh38, 1-based): chr21:34,834,456, C>T on the plus strand (G>A on the coding strand, the complement: RUNX1 is on the minus strand). VCF-style: chr21-34834456-C-T. GRCh37 (hg19) VCF-style: chr21-36206753-C-T.
Other names: NM_001754.5(RUNX1):c.759G>A; p.Leu253=; c.678G>A, p.Leu226= (NM_001001890.3, NM_001122607.2).
Identifiers: ClinVar variation 1121120 (VCV001121120.10), dbSNP rs2146075058, ClinGen allele CA512318579.
Genomic context (GRCh38, chr21:34,834,456, plus strand): 5'-CATCTGGTACTTACCCTGCATCTGACTCTGAGGCTGAGGGTTAAAGGCAGTGGAGTGGTT[C>T]AGGGAGGCACGAGGGTTGGGCGTGGGGGCTGGGTGGTGTGGGCTGACCCTCATGGCTGTG-3'
Protein context (NP_001745.2, residues 243-263): PAPTPNPRAS[Leu253=]NHSTAFNPQP